The following is an entry in ClinVar:

NM_000051.4(ATM):c.422G>T (p.Cys141Phe)

Gene: ATM (ATM serine/threonine kinase; plus strand). Cytogenetic location: 11q22.3.
Variant type: single nucleotide variant.
Coding change: c.422G>T on transcript NM_000051.4 (MANE Select); coding-DNA position 422, G replaced by T.
Protein change: p.Cys141Phe; replaces cysteine 141 with phenylalanine.
Molecular consequence: missense variant.
Genome position (GRCh38, 1-based): chr11:108,235,760, G>T. VCF-style: chr11-108235760-G-T. GRCh37 (hg19) VCF-style: chr11-108106487-G-T.
Other names: c.422G>T, p.Cys141Phe (NM_001351834.2); short protein forms C141F.
Identifiers: ClinVar variation 1738894 (VCV001738894.3), dbSNP rs745890227, ClinGen allele CA382525114.

ClinVar aggregate classification (germline): Uncertain significance (1 of 4 stars; one submission).

Conditions:
Hereditary cancer-predisposing syndrome. Also called: Hereditary Cancer Syndrome; Hereditary neoplastic syndrome; Neoplastic Syndromes, Hereditary; Tumor predisposition. Identifiers: Orphanet 140162, MedGen C0027672, MeSH D009386, MONDO:0015356.

Submission:

Ambry Genetics
Classification: Uncertain significance for Hereditary cancer-predisposing syndrome. Last evaluated: 2025-08-27. Review status: criteria provided, single submitter. Criteria: Ambry Variant Classification Scheme 2023. Collection method: clinical testing. Allele origin: germline.
Comment: The p.C141F variant (also known as c.422G>T), located in coding exon 4 of the ATM gene, results from a G to T substitution at nucleotide position 422. The cysteine at codon 141 is replaced by phenylalanine, an amino acid with highly dissimilar properties. This amino acid position is not well conserved in available vertebrate species. In addition, this alteration is predicted to be tolerated by in silico analysis. Since supporting evidence is limited at this time, the clinical significance of this alteration remains unclear.